The following is an entry in ClinVar:

NM_020631.6(PLEKHG5):c.1559G>T (p.Arg520Leu)

Gene: PLEKHG5 (pleckstrin homology and RhoGEF domain containing G5; minus strand). Cytogenetic location: 1p36.31.
Variant type: single nucleotide variant.
Coding change: c.1559G>T on transcript NM_020631.6 (MANE Select); coding-DNA position 1559, G replaced by T.
Protein change: p.Arg520Leu; replaces arginine 520 with leucine.
Molecular consequence: missense variant.
Genome position (GRCh38, 1-based): chr1:6,470,627, C>A on the plus strand (G>T on the coding strand, the complement: PLEKHG5 is on the minus strand). VCF-style: chr1-6470627-C-A. GRCh37 (hg19) VCF-style: chr1-6530687-C-A.
Other names: p.Arg597Leu; c.1559G>T, p.Arg520Leu (NM_198681.4, NM_001042664.2, NM_001042665.2 and 1 more transcripts); c.1670G>T, p.Arg557Leu (NM_001042663.3, NM_001265592.2); c.1766G>T, p.Arg589Leu (NM_001265593.2); c.1790G>T (NM_198681.3); short protein forms R520L, R557L, R589L.
Identifiers: ClinVar variation 1053176 (VCV001053176.12), dbSNP rs1464358180, ClinGen allele CA338125951.
Genomic context (GRCh38, chr1:6,470,627, plus strand): 5'-GCCGCCAGCCGCTGCCGCTCCTGCCGCTGCCGCATGCACGCGTTCACGTGGTGGATGAAG[C>A]GCTCCACGGAGCCGATCTAGGGGCAGGTGAGGGAGCTTCAGGTCCAGGGTCATGACGGAG-3'
Protein context (NP_065682.2, residues 510-530): AVVAMIGSVE[Arg520Leu]FIHHVNACMR

ClinVar aggregate classification (germline): Uncertain significance. Review status: criteria provided, multiple submitters, no conflicts (2 of 4 stars). 2 submissions from 2 submitters: Uncertain significance (2). Last evaluated 2022-02-25.

Conditions:
Neuronopathy, distal hereditary motor, autosomal recessive 4. Also called: NEUROPATHY, DISTAL HEREDITARY MOTOR, AUTOSOMAL RECESSIVE 4; Autosomal recessive lower motor neuron disease with childhood onset. Identifiers: Orphanet 206580, MedGen C1970211, MONDO:0012608, OMIM 611067.
Charcot-Marie-Tooth disease recessive intermediate C. Also called: CHARCOT-MARIE-TOOTH NEUROPATHY, RECESSIVE INTERMEDIATE C. Identifiers: Orphanet 369867, MedGen C3809309, MONDO:0014154, OMIM 615376.

gnomAD v4.1: 1 of 1,582,638 alleles (0.000063%); highest among the groups gnomAD compares: Non-Finnish European, 0.000085%; no homozygotes.

Submissions (2):

Mayo Clinic Laboratories, Mayo Clinic
Classification: Uncertain significance. Last evaluated: 2022-02-25. Review status: criteria provided, single submitter. Criteria: ACMG Guidelines, 2015. Collection method: clinical testing. Allele origin: germline. Observed: 1 variant allele.
Comment: PM2

Labcorp Genetics (formerly Invitae), Labcorp
Classification: Uncertain significance for Neuronopathy, distal hereditary motor, autosomal recessive 4; Charcot-Marie-Tooth disease recessive intermediate C. Last evaluated: 2020-01-23. Review status: criteria provided, single submitter. Criteria: Invitae Variant Classification Sherloc (09022015). Collection method: clinical testing. Allele origin: germline.
Comment: This sequence change replaces arginine with leucine at codon 520 of the PLEKHG5 protein (p.Arg520Leu). The arginine residue is moderately conserved and there is a moderate physicochemical difference between arginine and leucine. This variant is not present in population databases (ExAC no frequency). This variant has not been reported in the literature in individuals with PLEKHG5-related conditions. Algorithms developed to predict the effect of missense changes on protein structure and function (SIFT, PolyPhen-2, Align-GVGD) all suggest that this variant is likely to be tolerated, but these predictions have not been confirmed by published functional studies and their clinical significance is uncertain. In summary, the available evidence is currently insufficient to determine the role of this variant in disease. Therefore, it has been classified as a Variant of Uncertain Significance.